The following is an entry in ClinVar:

ClinVar aggregate classification (germline): Uncertain significance. Review status: criteria provided, multiple submitters, no conflicts (2 of 4 stars). 2 submissions from 2 submitters: Uncertain significance (2). Last evaluated 2025-07-14.

gnomAD v4.1: 2 of 1,613,842 alleles (0.00012%); highest among the groups gnomAD compares: African/African-American, 0.0027%; no homozygotes.

Submissions (2):

GeneDx
Classification: Uncertain significance. Last evaluated: 2025-07-14. Review status: criteria provided, single submitter. Criteria: GeneDx Variant Classification Process June 2021. Collection method: clinical testing. Allele origin: germline. Affected: yes.
Comment: Not observed at significant frequency in large population cohorts (gnomAD); In silico analysis suggests that this missense variant does not alter protein structure/function; Has not been previously published as pathogenic or benign to our knowledge

Mayo Clinic Laboratories, Mayo Clinic
Classification: Uncertain significance. Last evaluated: 2025-04-28. Review status: criteria provided, single submitter. Criteria: ACMG Guidelines, 2015. Collection method: clinical testing. Allele origin: germline. Observed: 1 variant allele.
Comment: PM2_supporting

NM_001129.5(AEBP1):c.1527T>G (p.Ser509Arg)

Gene: AEBP1 (AE binding protein 1; plus strand). Cytogenetic location: 7p13.
Variant type: single nucleotide variant.
Coding change: c.1527T>G on transcript NM_001129.5 (MANE Select); coding-DNA position 1527, T replaced by G.
Protein change: p.Ser509Arg; replaces serine 509 with arginine.
Molecular consequence: missense variant.
Genome position (GRCh38, 1-based): chr7:44,110,954, T>G. VCF-style: chr7-44110954-T-G. GRCh37 (hg19) VCF-style: chr7-44150553-T-G.
Other names: p.Ser509Arg; c.1527T>G (NM_001129.4); short protein forms S509R.
Identifiers: ClinVar variation 4541279 (VCV004541279.2).